The following is an entry in ClinVar:

NM_181724.3(TMEM119):c.116C>T (p.Ala39Val)

Gene: TMEM119 (transmembrane protein 119; minus strand). Cytogenetic location: 12q23.3.
Variant type: single nucleotide variant.
Coding change: c.116C>T on transcript NM_181724.3 (MANE Select); coding-DNA position 116, C replaced by T.
Protein change: p.Ala39Val; replaces alanine 39 with valine.
Molecular consequence: missense variant.
Genome position (GRCh38, 1-based): chr12:108,592,268, G>A on the plus strand (C>T on the coding strand, the complement: TMEM119 is on the minus strand). VCF-style: chr12-108592268-G-A. GRCh37 (hg19) VCF-style: chr12-108986044-G-A.
Other names: short protein forms A39V.
Identifiers: ClinVar variation 2643265 (VCV002643265.24), dbSNP rs187778697, ClinGen allele CA6769109.
Genomic context (GRCh38, chr12:108,592,268, plus strand): 5'-GTCCAGGGTGGCGGGAGGCTCGGGGAGGAGGCCGACGAGCCCTCGGCCTCCCCACTACCC[G>A]CCACATCCTCCAGGAACGTGGCCTTCAGGGGCACAGAGCGGGCGTCGGTAGCAGGCACAG-3'
Protein context (NP_859075.2, residues 29-49): PLKATFLEDV[Ala39Val]GSGEAEGSSA

ClinVar aggregate classification (germline): Likely benign (1 of 4 stars; one submission).

Allele frequency attached by ClinVar (database versions not stated): ESP Exome Variant Server 0.00071; ExAC 0.00164; 1000 Genomes Project 30x 0.00203; 1000 Genomes Project 0.00240.
gnomAD v4.1: 1,204 of 1,609,120 alleles (0.075%); highest among the groups gnomAD compares: Middle Eastern, 0.9%; 7 homozygotes.

Submission:

CeGaT Center for Human Genetics Tuebingen
Classification: Likely benign. Last evaluated: 2023-04-01. Review status: criteria provided, single submitter. Criteria: CeGaT Center For Human Genetics Tuebingen Variant Classification Criteria Version 2. Collection method: clinical testing. Allele origin: germline. Affected: yes. Observed: 1 variant allele.
Comment: TMEM119: BP4, BS2